The following is an entry in ClinVar:

NM_000419.5(ITGA2B):c.2311G>A (p.Val771Met)

Gene: ITGA2B (integrin subunit alpha 2b; minus strand). Cytogenetic location: 17q21.31.
Variant type: single nucleotide variant.
Coding change: c.2311G>A on transcript NM_000419.5 (MANE Select); coding-DNA position 2311, G replaced by A.
Protein change: p.Val771Met; replaces valine 771 with methionine.
Molecular consequence: missense variant.
Genome position (GRCh38, 1-based): chr17:44,376,345, C>T on the plus strand (G>A on the coding strand, the complement: ITGA2B is on the minus strand). VCF-style: chr17-44376345-C-T. GRCh37 (hg19) VCF-style: chr17-42453713-C-T.
Other names: short protein forms V771M.
Identifiers: ClinVar variation 2884835 (VCV002884835.3), dbSNP rs368953599, ClinGen allele CA8602742.
Genomic context (GRCh38, chr17:44,376,345, plus strand): 5'-CTTCTCCACCCCTGGCCTCTCACCCTCGCAGCTCCACTTGGGCCTCTGCCCGGACCGGCA[C>T]GTCCAGCAGCACAATCTTGCTGTTTGGATTCTGGCTGTTCTTGCTAGAGGGGAGGGGATG-3'
Protein context (NP_000410.2, residues 761-781): NPNSKIVLLD[Val771Met]PVRAEAQVEL

ClinVar aggregate classification (germline): Uncertain significance (1 of 4 stars; one submission).

Conditions:
Glanzmann thrombasthenia. Also called: BLEEDING DISORDER, PLATELET-TYPE, 2; THROMBASTHENIA OF GLANZMANN AND NAEGELI; PLATELET GLYCOPROTEIN IIb-IIIa DEFICIENCY; Thrombasthenia; Glanzmann's thrombasthenia. Identifiers: Orphanet 849, MedGen C0040015, MONDO:0100326.

gnomAD v4.1: 20 of 1,614,186 alleles (0.0012%); highest among the groups gnomAD compares: South Asian, 0.015%; no homozygotes.

Submission:

Labcorp Genetics (formerly Invitae), Labcorp
Classification: Uncertain significance for Glanzmann thrombasthenia. Last evaluated: 2023-04-06. Review status: criteria provided, single submitter. Criteria: Invitae Variant Classification Sherloc (09022015). Collection method: clinical testing. Allele origin: germline.
Comment: This variant has not been reported in the literature in individuals affected with ITGA2B-related conditions. Advanced modeling of protein sequence and biophysical properties (such as structural, functional, and spatial information, amino acid conservation, physicochemical variation, residue mobility, and thermodynamic stability) performed at Invitae indicates that this missense variant is not expected to disrupt ITGA2B protein function. In summary, the available evidence is currently insufficient to determine the role of this variant in disease. Therefore, it has been classified as a Variant of Uncertain Significance. This variant is present in population databases (rs368953599, gnomAD 0.02%). This sequence change replaces valine, which is neutral and non-polar, with methionine, which is neutral and non-polar, at codon 771 of the ITGA2B protein (p.Val771Met).